The following is an entry in ClinVar:

ClinVar aggregate classification (germline): Uncertain significance. Review status: criteria provided, multiple submitters, no conflicts (2 of 4 stars). 2 submissions from 2 submitters: Uncertain significance (2). Last evaluated 2025-08-29.

Allele frequency attached by ClinVar (database versions not stated): TOPMed 0.00005; gnomAD 0.00006; gnomAD exomes 0.00006; ESP Exome Variant Server 0.00008; ExAC 0.00021.
gnomAD v4.1: 91 of 1,611,580 alleles (0.0056%); highest among the groups gnomAD compares: Non-Finnish European, 0.0074%; no homozygotes.

Submissions (2):

Ambry Genetics
Classification: Uncertain significance. Last evaluated: 2025-08-29. Review status: criteria provided, single submitter. Criteria: Ambry Variant Classification Scheme 2023. Collection method: clinical testing. Allele origin: germline.

Labcorp Genetics (formerly Invitae), Labcorp
Classification: Uncertain significance. Last evaluated: 2024-06-05. Review status: criteria provided, single submitter. Criteria: Invitae Variant Classification Sherloc (09022015). Collection method: clinical testing. Allele origin: germline.
Comment: This sequence change replaces alanine, which is neutral and non-polar, with threonine, which is neutral and polar, at codon 210 of the TNK2 protein (p.Ala210Thr). The frequency data for this variant in the population databases is considered unreliable, as metrics indicate poor data quality at this position in the gnomAD database. This variant has not been reported in the literature in individuals affected with TNK2-related conditions. ClinVar contains an entry for this variant (Variation ID: 2594287). An algorithm developed to predict the effect of missense changes on protein structure and function (PolyPhen-2) suggests that this variant is likely to be tolerated. In summary, the available evidence is currently insufficient to determine the role of this variant in disease. Therefore, it has been classified as a Variant of Uncertain Significance.

NM_001382273.1(TNK2):c.439G>A (p.Ala147Thr)

Gene: TNK2 (tyrosine kinase non receptor 2; minus strand). Cytogenetic location: 3q29.
Variant type: single nucleotide variant.
Coding change: c.439G>A on transcript NM_001382273.1 (MANE Select); coding-DNA position 439, G replaced by A.
Protein change: p.Ala147Thr; replaces alanine 147 with threonine.
Molecular consequence: missense variant. On other transcripts: non-coding transcript variant (15).
Genome position (GRCh38, 1-based): chr3:195,884,829, C>T on the plus strand (G>A on the coding strand, the complement: TNK2 is on the minus strand). VCF-style: chr3-195884829-C-T. GRCh37 (hg19) VCF-style: chr3-195611700-C-T.
Other names: c.511G>A, p.Ala171Thr (NM_001010938.2, NM_001382272.1, NM_001387708.1 and 1 more transcripts); c.535G>A, p.Ala179Thr (NM_001308046.2, NM_001382271.1, NM_001382275.1 and 1 more transcripts); c.439G>A, p.Ala147Thr (NM_001382274.1, NM_001386164.1, NM_001387709.1 and 12 more transcripts); short protein forms A147T, A179T, A171T.
Identifiers: ClinVar variation 2594287 (VCV002594287.5), dbSNP rs138590895, ClinGen allele CA2776861.